The following is an entry in ClinVar:

ClinVar aggregate classification (germline): Uncertain significance (1 of 4 stars; one submission).

Conditions:
Inborn genetic diseases. Identifiers: MedGen C0950123, MeSH D030342.

Submission:

Ambry Genetics
Classification: Uncertain significance for Inborn genetic diseases. Last evaluated: 2022-08-11. Review status: criteria provided, single submitter. Criteria: Ambry Variant Classification Scheme 2023. Collection method: clinical testing. Allele origin: germline.
Comment: The c.300_314del15 (p.R101_G105del) alteration is located in exon 1 (coding exon 1) of the BPTF gene. This alteration consists of an in-frame deletion of 15 nucleotides between nucleotide positions c.300 and c.314, resulting in the deletion of <NA> residues. Based on insufficient or conflicting evidence, the clinical significance of this alteration remains unclear.

NM_182641.4(BPTF):c.300_314del (p.Arg101_Gly105del)

Gene: BPTF (bromodomain PHD finger transcription factor; plus strand). Cytogenetic location: 17q24.2.
Variant type: Deletion.
Coding change: c.300_314del on transcript NM_182641.4 (MANE Select); coding-DNA positions 300 to 314, 15 bases deleted (CAGGACGGGGGGCGG).
Protein change: p.Arg101_Gly105del.
Molecular consequence: inframe deletion.
Genome position (GRCh38, 1-based): chr17:67,826,024-67,826,038, CAGGACGGGGGGCGG deleted; deleting any 15 consecutive bases within chr17:67,826,016-67,826,038 gives the same sequence; the c. name uses the placement nearest the transcript's 3' end. VCF-style (leftmost placement, unchanged base first): chr17-67826015-CGGGGGCGGCAGGACG-C. GRCh37 (hg19) VCF-style: chr17-65822131-CGGGGGCGGCAGGACG-C.
Other names: c.300_314del, p.Arg101_Gly105del (NM_004459.7).
Identifiers: ClinVar variation 2301017 (VCV002301017.2), dbSNP rs2055976823, ClinGen allele CA2271918166.